The following is an entry in ClinVar:

ClinVar aggregate classification (germline): Uncertain significance. Review status: criteria provided, multiple submitters, no conflicts (2 of 4 stars). 2 submissions from 2 submitters: Uncertain significance (2). Last evaluated 2025-07-02.

Conditions:
Generalized epilepsy with febrile seizures plus, type 7 (GEFSP7). Also called: GEFS+, TYPE 7. Identifiers: Orphanet 36387, MedGen C2751778, MONDO:0013470, OMIM 613863.
Neuropathy, hereditary sensory and autonomic, type 2A (HSAN2A). Also called: NEUROPATHY, CONGENITAL SENSORY; NEUROPATHY, HEREDITARY SENSORY RADICULAR, AUTOSOMAL RECESSIVE; NEUROPATHY, HEREDITARY SENSORY, TYPE IIA; NEUROPATHY, PROGRESSIVE SENSORY, OF CHILDREN; WNK1-Related HSAN2 (HSAN2A); MORVAN DISEASE. Identifiers: Orphanet 970, MedGen C2752089, MONDO:0024309, OMIM 201300.
Inborn genetic diseases. Identifiers: MedGen C0950123, MeSH D030342.

Allele frequency attached by ClinVar (database versions not stated): gnomAD exomes below 0.00001; ExAC 0.00001; TOPMed 0.00001; ESP Exome Variant Server 0.00008.

Submissions (2):

Labcorp Genetics (formerly Invitae), Labcorp
Classification: Uncertain significance for Neuropathy, hereditary sensory and autonomic, type 2A; Generalized epilepsy with febrile seizures plus, type 7. Last evaluated: 2025-07-02. Review status: criteria provided, single submitter. Criteria: Invitae Variant Classification Sherloc (09022015). Collection method: clinical testing. Allele origin: germline.
Comment: This sequence change replaces aspartic acid, which is acidic and polar, with asparagine, which is neutral and polar, at codon 247 of the SCN9A protein (p.Asp247Asn). This variant is present in population databases (rs374102129, gnomAD 0.0009%). This variant has not been reported in the literature in individuals affected with SCN9A-related conditions. ClinVar contains an entry for this variant (Variation ID: 1036912). Invitae Evidence Modeling of protein sequence and biophysical properties (such as structural, functional, and spatial information, amino acid conservation, physicochemical variation, residue mobility, and thermodynamic stability) indicates that this missense variant is not expected to disrupt SCN9A protein function with a negative predictive value of 95%. In summary, the available evidence is currently insufficient to determine the role of this variant in disease. Therefore, it has been classified as a Variant of Uncertain Significance.

Ambry Genetics
Classification: Uncertain significance for Inborn genetic diseases. Last evaluated: 2025-05-26. Review status: criteria provided, single submitter. Criteria: Ambry Variant Classification Scheme 2023. Collection method: clinical testing. Allele origin: germline.

NM_001365536.1(SCN9A):c.739G>A (p.Asp247Asn)

Gene: SCN9A (sodium voltage-gated channel alpha subunit 9; minus strand). Cytogenetic location: 2q24.3.
Variant type: single nucleotide variant.
Coding change: c.739G>A on transcript NM_001365536.1 (MANE Select); coding-DNA position 739, G replaced by A.
Protein change: p.Asp247Asn; replaces aspartic acid 247 with asparagine.
Molecular consequence: missense variant.
Genome position (GRCh38, 1-based): chr2:166,303,252, C>T on the plus strand (G>A on the coding strand, the complement: SCN9A is on the minus strand). VCF-style: chr2-166303252-C-T. GRCh37 (hg19) VCF-style: chr2-167159762-C-T.
Other names: c.739G>A, p.Asp247Asn (NM_002977.4); short protein forms D247N.
Identifiers: ClinVar variation 1036912 (VCV001036912.10), dbSNP rs374102129, ClinGen allele CA1944666.